The following is an entry in ClinVar:

ClinVar aggregate classification (germline): Uncertain significance (1 of 4 stars; one submission).

Conditions:
DOCK2 deficiency. Also called: Immunodeficiency 40. Identifiers: Orphanet 447737, MedGen C4225328, MONDO:0014637, OMIM 616433.

Submission:

Labcorp Genetics (formerly Invitae), Labcorp
Classification: Uncertain significance for DOCK2 deficiency. Last evaluated: 2022-07-19. Review status: criteria provided, single submitter. Criteria: Invitae Variant Classification Sherloc (09022015). Collection method: clinical testing. Allele origin: germline.
Comment: This variant is not present in population databases (gnomAD no frequency). This sequence change replaces methionine, which is neutral and non-polar, with threonine, which is neutral and polar, at codon 535 of the DOCK2 protein (p.Met535Thr). This variant has not been reported in the literature in individuals affected with DOCK2-related conditions. In summary, the available evidence is currently insufficient to determine the role of this variant in disease. Therefore, it has been classified as a Variant of Uncertain Significance. Algorithms developed to predict the effect of missense changes on protein structure and function are either unavailable or do not agree on the potential impact of this missense change (SIFT: "Tolerated"; PolyPhen-2: "Possibly Damaging"; Align-GVGD: "Class C0").

NM_004946.3(DOCK2):c.1604T>C (p.Met535Thr)

Gene: DOCK2 (dedicator of cytokinesis 2; plus strand). Cytogenetic location: 5q35.1.
Variant type: single nucleotide variant.
Coding change: c.1604T>C on transcript NM_004946.3 (MANE Select); coding-DNA position 1604, T replaced by C.
Protein change: p.Met535Thr; replaces methionine 535 with threonine.
Molecular consequence: missense variant. On other transcripts: non-coding transcript variant (1).
Genome position (GRCh38, 1-based): chr5:169,712,168, T>C. VCF-style: chr5-169712168-T-C. GRCh37 (hg19) VCF-style: chr5-169139172-T-C.
Other names: short protein forms M535T.
Identifiers: ClinVar variation 1718705 (VCV001718705.5), dbSNP rs2532616913, ClinGen allele CA362107221.
Genomic context (GRCh38, chr5:169,712,168, plus strand): 5'-TGCTATTTCCAGCTAAAGATAAAGGAGAAAAGAACTTTGCCATGTCCTATGTGAAGCTGA[T>C]GAAAGAAGATGGGACTACTCTACACGATGGATTCCATGACTTAGTTGTCCTCAAGGTACC-3'
Protein context (NP_004937.1, residues 525-545): KNFAMSYVKL[Met535Thr]KEDGTTLHDG